The following is an entry in ClinVar:

NM_002230.4(JUP):c.1300G>A (p.Gly434Ser)

Gene: JUP (junction plakoglobin; minus strand). Cytogenetic location: 17q21.2.
Variant type: single nucleotide variant.
Coding change: c.1300G>A on transcript NM_002230.4 (MANE Select); coding-DNA position 1300, G replaced by A.
Protein change: p.Gly434Ser; replaces glycine 434 with serine.
Molecular consequence: missense variant.
Genome position (GRCh38, 1-based): chr17:41,763,180, C>T on the plus strand (G>A on the coding strand, the complement: JUP is on the minus strand). VCF-style: chr17-41763180-C-T. GRCh37 (hg19) VCF-style: chr17-39919432-C-T.
Other names: c.1300G>A, p.Gly434Ser (NM_001352773.2, NM_001352774.2, NM_001352775.2 and 3 more transcripts); c.1300G>A (NM_002230.2); short protein forms G434S.
Identifiers: ClinVar variation 1438653 (VCV001438653.8), dbSNP rs1555602250, ClinGen allele CA399497317.
Genomic context (GRCh38, chr17:41,763,180, plus strand): 5'-GCTCCGTGATGTCGTCCTTGTCACCAGCACGCAGGATGGCATGGATGAGAGCCTCCACAC[C>T]GCTGTTCTGTGTCACCAGCGTCTTGTTCTTGCTGTTGTTGCATGTCAGGTTGGAGAGTGT-3'
Protein context (NP_002221.1, residues 424-444): KNKTLVTQNS[Gly434Ser]VEALIHAILR

ClinVar aggregate classification (germline): Uncertain significance. Review status: criteria provided, multiple submitters, no conflicts (2 of 4 stars). 3 submissions from 3 submitters: Uncertain significance (3). Last evaluated 2025-12-30.

Conditions:
Naxos disease (NXD). Also called: CARDIOMYOPATHY, ARRHYTHMOGENIC RIGHT VENTRICULAR, WITH SKIN, HAIR, AND NAIL ABNORMALITIES; KERATOSIS PALMOPLANTARIS WITH ARRHYTHMOGENIC CARDIOMYOPATHY; MAL DE NAXOS; PALMOPLANTAR KERATODERMA WITH ARRHYTHMOGENIC RIGHT VENTRICULAR CARDIOMYOPATHY AND WOOLLY HAIR; WOOLLY HAIR, PALMOPLANTAR KERATODERMA, AND CARDIAC ABNORMALITIES. Identifiers: Orphanet 34217, MedGen C1832600, MONDO:0011017, OMIM 601214.
Arrhythmogenic right ventricular dysplasia 12. Also called: ARRHYTHMOGENIC RIGHT VENTRICULAR DYSPLASIA, FAMILIAL, 12. Identifiers: MedGen C1969081, MONDO:0012684, OMIM 611528.
Cardiovascular phenotype. Identifiers: MedGen CN230736.

Allele frequency attached by ClinVar (database versions not stated): gnomAD exomes 0.00001.
gnomAD v4.1: 9 of 1,614,220 alleles (0.00056%); highest among the groups gnomAD compares: Admixed American, 0.0033%; no homozygotes.

Submissions (3):

Ambry Genetics
Classification: Uncertain significance for Cardiovascular phenotype. Last evaluated: 2025-12-30. Review status: criteria provided, single submitter. Criteria: Ambry Variant Classification Scheme 2023. Collection method: clinical testing. Allele origin: germline.
Comment: The p.G434S variant (also known as c.1300G>A), located in coding exon 7 of the JUP gene, results from a G to A substitution at nucleotide position 1300. The glycine at codon 434 is replaced by serine, an amino acid with similar properties. This amino acid position is highly conserved in available vertebrate species. In addition, this alteration is predicted to be deleterious by in silico analysis. Based on the available evidence, the clinical significance of this variant remains unclear.

Labcorp Genetics (formerly Invitae), Labcorp
Classification: Uncertain significance for Arrhythmogenic right ventricular dysplasia 12; Naxos disease. Last evaluated: 2025-10-07. Review status: criteria provided, single submitter. Criteria: Invitae Variant Classification Sherloc (09022015). Collection method: clinical testing. Allele origin: germline.
Comment: This sequence change replaces glycine, which is neutral and non-polar, with serine, which is neutral and polar, at codon 434 of the JUP protein (p.Gly434Ser). This variant is present in population databases (no rsID available, gnomAD 0.003%). This variant has not been reported in the literature in individuals affected with JUP-related conditions. ClinVar contains an entry for this variant (Variation ID: 1438653). An algorithm developed to predict the effect of missense changes on protein structure and function (PolyPhen-2) suggests that this variant is likely to be disruptive. In summary, the available evidence is currently insufficient to determine the role of this variant in disease. Therefore, it has been classified as a Variant of Uncertain Significance.

GeneDx
Classification: Uncertain significance. Last evaluated: 2024-03-12. Review status: criteria provided, single submitter. Criteria: GeneDx Variant Classification Process June 2021. Collection method: clinical testing. Allele origin: germline. Affected: yes.
Comment: Has not been previously published as pathogenic or benign to our knowledge; Not observed at significant frequency in large population cohorts (gnomAD); In silico analysis supports that this missense variant has a deleterious effect on protein structure/function